The following is an entry in ClinVar:

NC_000007.14:g.66643422T>C

Variant type: single nucleotide variant.
Genome position: GRCh38 VCF-style: chr7-66643422-T-C. GRCh37 (hg19) VCF-style: chr7-66108409-T-C.
Identifiers: ClinVar variation 3255298 (VCV003255298.2), dbSNP rs4718383.

ClinVar aggregate classification (germline): Benign (1 of 4 stars; one submission).

Submission:

Unidad de Genómica Garrahan, Hospital de Pediatría Garrahan
Classification: Benign. Last evaluated: 2024-07-15. Review status: criteria provided, single submitter. Criteria: ACMG Guidelines, 2015. Collection method: clinical testing. Allele origin: germline. Affected: no. Observed: 28 variant alleles.
Comment: This variant is classified as Benign based on local population frequency. This variant was detected in 30% of patients studied in a panel designed for Epileptic and Developmental Encephalopathy and Progressive Myoclonus Epilepsy. Number of patients: 28. Only high quality variants are reported.